The following is an entry in ClinVar:

ClinVar aggregate classification (germline): Conflicting classifications of pathogenicity. Review status: criteria provided, conflicting classifications (1 of 4 stars). 5 submissions from 5 submitters: Uncertain significance (4); Likely benign (1). Last evaluated 2026-06-28.

Conditions:
PMP22-related disorder. Also called: PMP22-related disorders; PMP22-related condition.
Inborn genetic diseases. Identifiers: MedGen C0950123, MeSH D030342.
Charcot-Marie-Tooth disease, type I (CMT1). Also called: Charcot-Marie-Tooth, Type 1; Charcot-Marie-Tooth disease type 1. Identifiers: Orphanet 65753, MedGen C0751036, MONDO:0019011.

Allele frequency attached by ClinVar (database versions not stated): ExAC 0.00002; gnomAD 0.00003; TOPMed 0.00003.
gnomAD v4.1: 48 of 1,613,988 alleles (0.003%); highest among the groups gnomAD compares: Admixed American, 0.013%; no homozygotes.

Submissions (5):

PreventionGenetics, part of Exact Sciences
Classification: Uncertain significance for PMP22-related condition. Last evaluated: 2026-06-28. Review status: criteria provided, single submitter. Criteria: ACMG Guidelines, 2015. Collection method: clinical testing. Allele origin: germline.
Comment: The PMP22 c.365C>T variant is predicted to result in the amino acid substitution p.Pro122Leu. To our knowledge, this variant has not been reported in the literature. This variant is reported in 0.014% of alleles in individuals of Latino descent in gnomAD. At this time, the clinical significance of this variant is uncertain due to the absence of conclusive functional and genetic evidence.

Labcorp Genetics (formerly Invitae), Labcorp
Classification: Uncertain significance for Charcot-Marie-Tooth disease, type I. Last evaluated: 2025-12-17. Review status: criteria provided, single submitter. Criteria: Invitae Variant Classification Sherloc (09022015). Collection method: clinical testing. Allele origin: germline.
Comment: This sequence change replaces proline, which is neutral and non-polar, with leucine, which is neutral and non-polar, at codon 122 of the PMP22 protein (p.Pro122Leu). This variant is present in population databases (rs768085434, gnomAD 0.02%). This variant has not been reported in the literature in individuals affected with PMP22-related conditions. ClinVar contains an entry for this variant (Variation ID: 426791). Invitae Evidence Modeling of protein sequence and biophysical properties (such as structural, functional, and spatial information, amino acid conservation, physicochemical variation, residue mobility, and thermodynamic stability) indicates that this missense variant is not expected to disrupt PMP22 protein function with a negative predictive value of 95%. In summary, the available evidence is currently insufficient to determine the role of this variant in disease. Therefore, it has been classified as a Variant of Uncertain Significance.

Women's Health and Genetics/Laboratory Corporation of America, LabCorp
Classification: Uncertain significance. Last evaluated: 2025-11-18. Review status: criteria provided, single submitter. Criteria: LabCorp Variant Classification Summary - May 2015. Collection method: clinical testing. Allele origin: germline.
Comment: Variant summary: PMP22 c.365C>T (p.Pro122Leu) results in a non-conservative amino acid change in the encoded protein sequence. Algorithms developed to predict the effect of missense changes on protein structure and function are either unavailable or do not agree on the potential impact of this missense change. The variant allele was found at a frequency of 5.2e-05 in 251108 control chromosomes. This frequency is not significantly higher than estimated for disease-causing variants in PMP22, allowing no conclusion about variant significance. To our knowledge, no occurrence of c.365C>T in individuals affected with PMP22-related conditions and no experimental evidence demonstrating its impact on protein function have been reported. ClinVar contains an entry for this variant (Variation ID: 426791). Based on the evidence outlined above, the variant was classified as uncertain significance.

GeneDx
Classification: Uncertain significance. Last evaluated: 2025-07-14. Review status: criteria provided, single submitter. Criteria: GeneDx Variant Classification Process June 2021. Collection method: clinical testing. Allele origin: germline. Affected: yes.
Comment: Identified in a patient with suspected Charcot-Marie-Tooth disease type 1 in published literature (PMID: Patitucci(2014)_Abstract); In silico analysis supports that this missense variant has a deleterious effect on protein structure/function; This variant is associated with the following publications: (PMID: Patitucci(2014)_Abstract)

Ambry Genetics
Classification: Likely benign for Inborn genetic diseases. Last evaluated: 2020-03-05. Review status: criteria provided, single submitter. Criteria: Ambry Variant Classification Scheme 2023. Collection method: clinical testing. Allele origin: germline.

NM_000304.4(PMP22):c.365C>T (p.Pro122Leu)

Gene: PMP22 (peripheral myelin protein 22; minus strand). Cytogenetic location: 17p12.
Variant type: single nucleotide variant.
Coding change: c.365C>T on transcript NM_000304.4 (MANE Select); coding-DNA position 365, C replaced by T.
Protein change: p.Pro122Leu; replaces proline 122 with leucine.
Molecular consequence: missense variant. On other transcripts: non-coding transcript variant (2).
Genome position (GRCh38, 1-based): chr17:15,231,035, G>A on the plus strand (C>T on the coding strand, the complement: PMP22 is on the minus strand). VCF-style: chr17-15231035-G-A. GRCh37 (hg19) VCF-style: chr17-15134352-G-A.
Other names: c.365C>T, p.Pro122Leu (NM_001281455.2, NM_001281456.2, NM_153321.3 and 1 more transcripts); c.365C>T (NM_000304.3); short protein forms P122L.
Identifiers: ClinVar variation 426791 (VCV000426791.12), dbSNP rs768085434, ClinGen allele CA8403316.
Genomic context (GRCh38, chr17:15,231,035, plus strand): 5'-GCCACCCAGGCCAGGATGTAGGCGAAACCGTAGGAGTAATCCGAGTTGAGATGCCACTCC[G>A]GGTGCCTCACCGTGTAGATGGCCGCAGCACTCATCACGCACAGACCTGGGGAAGGAGAGG-3'
Protein context (NP_000295.1, residues 112-132): SAAAIYTVRH[Pro122Leu]EWHLNSDYSY